The following is an entry in ClinVar:

ClinVar aggregate classification (germline): Uncertain significance (1 of 4 stars; one submission).

Conditions:
Leigh syndrome (NULS). Also called: Leigh's necrotizing encephalopathy; Leigh's disease; Leigh's syndrome; LEIGH SYNDROME, NUCLEAR; Leigh Syndrome (mtDNA deletion); Leigh Disease. Identifiers: Orphanet 506, MedGen C2931891, MONDO:0009723, OMIM 256000.

Submission:

Wong Mito Lab, Molecular and Human Genetics, Baylor College of Medicine
Classification: Uncertain significance for Leigh syndrome. Last evaluated: 2019-10-17. Review status: criteria provided, single submitter. Criteria: Modified ACMG Guidelines (Unpublished). Collection method: clinical testing. Allele origin: germline.
Comment: The NC_012920.1:m.13651A>T (YP_003024036.1:p.Thr439Ser) variant in MTND5 gene is interpretated to be a Uncertain Significance variant based on the modified ACMG guidelines (unpublished). This variant meets the following evidence codes: PP7, BP4

NC_012920.1(MT-ND5):m.13651A>T

Gene: MT-ND5 (mitochondrially encoded NADH dehydrogenase 5; plus strand).
Variant type: single nucleotide variant.
Genome position: chrM-13651-A-T.
Identifiers: ClinVar variation 693587 (VCV000693587.1), dbSNP rs1569484594, ClinGen allele CA414818917.